The following is an entry in ClinVar:

NM_001199107.2(TBC1D24):c.384C>G (p.Ile128Met)

Gene: TBC1D24 (TBC1 domain family member 24; plus strand). Cytogenetic location: 16p13.3.
Variant type: single nucleotide variant.
Coding change: c.384C>G on transcript NM_001199107.2 (MANE Select); coding-DNA position 384, C replaced by G.
Protein change: p.Ile128Met; replaces isoleucine 128 with methionine.
Molecular consequence: missense variant.
Genome position (GRCh38, 1-based): chr16:2,496,532, C>G. VCF-style: chr16-2496532-C-G. GRCh37 (hg19) VCF-style: chr16-2546533-C-G.
Other names: c.384C>G (NM_001199107.1); c.384C>G, p.Ile128Met (NM_020705.3); short protein forms I128M.
Identifiers: ClinVar variation 1351761 (VCV001351761.9), dbSNP rs754479878, ClinGen allele CA7843987.

ClinVar aggregate classification (germline): Uncertain significance. Review status: criteria provided, multiple submitters, no conflicts (2 of 4 stars). 2 submissions from 2 submitters: Uncertain significance (2). Last evaluated 2026-04-08.

Conditions:
Autosomal dominant nonsyndromic hearing loss 65. Also called: TBC1D24-Related Autosomal Dominant Nonsyndromic Hearing Loss (DFNA); Deafness, autosomal dominant 65. Identifiers: Orphanet 90635, MedGen C3892048, MONDO:0014470, OMIM 616044.
Developmental and epileptic encephalopathy, 1 (DEE1). Also called: OHTAHARA SYNDROME, X-LINKED; INFANTILE SPASM SYNDROME, X-LINKED 1; Epileptic encephalopathy, early infantile, 1; X-linked infantile spasms; West's syndrome; Tonic spasms with clustering, arrest of psychomotor development and hypsarrhythmia on EEG. Identifiers: MedGen C3463992, MONDO:0010632, OMIM 308350. Disease mechanism: loss of function.
TBC1D24-related disorder. Also called: TBC1D24-related disorders; TBC1D24-related condition. Identifiers: MedGen CN381194.

Allele frequency attached by ClinVar (database versions not stated): TOPMed below 0.00001; gnomAD 0.00001.
gnomAD v4.1: 31 of 1,608,566 alleles (0.0019%); highest among the groups gnomAD compares: Non-Finnish European, 0.0016%; no homozygotes.

Submissions (2):

PreventionGenetics, part of Exact Sciences
Classification: Uncertain significance for TBC1D24-related condition. Last evaluated: 2026-04-08. Review status: criteria provided, single submitter. Criteria: ACMG Guidelines, 2015. Collection method: clinical testing. Allele origin: germline.
Comment: The TBC1D24 c.384C>G variant is predicted to result in the amino acid substitution p.Ile128Met. To our knowledge, this variant has not been reported in the literature. This variant is reported in 0.0063% of alleles in individuals of European (Non-Finnish) descent in gnomAD. At this time, the clinical significance of this variant is uncertain due to the absence of conclusive functional and genetic evidence.

Labcorp Genetics (formerly Invitae), Labcorp
Classification: Uncertain significance for Developmental and epileptic encephalopathy, 1; Autosomal dominant nonsyndromic hearing loss 65. Last evaluated: 2024-07-12. Review status: criteria provided, single submitter. Criteria: Invitae Variant Classification Sherloc (09022015). Collection method: clinical testing. Allele origin: germline.
Comment: This sequence change replaces isoleucine, which is neutral and non-polar, with methionine, which is neutral and non-polar, at codon 128 of the TBC1D24 protein (p.Ile128Met). This variant is present in population databases (rs754479878, gnomAD 0.006%). This variant has not been reported in the literature in individuals affected with TBC1D24-related conditions. ClinVar contains an entry for this variant (Variation ID: 1351761). Advanced modeling of protein sequence and biophysical properties (such as structural, functional, and spatial information, amino acid conservation, physicochemical variation, residue mobility, and thermodynamic stability) performed at Invitae indicates that this missense variant is not expected to disrupt TBC1D24 protein function with a negative predictive value of 80%. In summary, the available evidence is currently insufficient to determine the role of this variant in disease. Therefore, it has been classified as a Variant of Uncertain Significance.